The following is an entry in ClinVar:

NM_015662.3(IFT172):c.1880T>C (p.Met627Thr)

Gene: IFT172 (intraflagellar transport 172; minus strand). Cytogenetic location: 2p23.3.
Variant type: single nucleotide variant.
Coding change: c.1880T>C on transcript NM_015662.3 (MANE Select); coding-DNA position 1880, T replaced by C.
Protein change: p.Met627Thr; replaces methionine 627 with threonine.
Molecular consequence: missense variant.
Genome position (GRCh38, 1-based): chr2:27,465,468, A>G on the plus strand (T>C on the coding strand, the complement: IFT172 is on the minus strand). VCF-style: chr2-27465468-A-G. GRCh37 (hg19) VCF-style: chr2-27688335-A-G.
Other names: c.1880T>C (NM_015662.1, NM_015662.2); short protein forms M627T.
Identifiers: ClinVar variation 1507532 (VCV001507532.7), dbSNP rs147288623, ClinGen allele CA1580500.

ClinVar aggregate classification (germline): Uncertain significance. Review status: criteria provided, multiple submitters, no conflicts (2 of 4 stars). 4 submissions from 4 submitters: Uncertain significance (3). 1 of the submissions does not count toward it. Last evaluated 2024-12-02.

Conditions:
Inborn genetic diseases. Identifiers: MedGen C0950123, MeSH D030342.
Retinitis pigmentosa 71 (RP71). Identifiers: Orphanet 791, MedGen C4225342, MONDO:0014618, OMIM 616394.
Short-rib thoracic dysplasia 10 with or without polydactyly (SRTD10). Identifiers: Orphanet 474, MedGen C3810175, MONDO:0014284, OMIM 615630.
Bardet-Biedl syndrome 20. Identifiers: MedGen C4310707, MONDO:0023670, OMIM 619471, MONDO:0014926.
IFT172-related disorder. Also called: IFT172-related disorders; IFT172-related condition.

Allele frequency attached by ClinVar (database versions not stated): ExAC 0.00001; gnomAD 0.00001; gnomAD exomes 0.00001 and 0.00002; TOPMed 0.00004; ESP Exome Variant Server 0.00008.
gnomAD v4.1: 12 of 1,613,942 alleles (0.00074%); highest among the groups gnomAD compares: Admixed American, 0.0083%; no homozygotes.

Submissions (4):

Ambry Genetics
Classification: Uncertain significance for Inborn genetic diseases. Last evaluated: 2024-12-02. Review status: criteria provided, single submitter. Criteria: Ambry Variant Classification Scheme 2023. Collection method: clinical testing. Allele origin: germline.

Labcorp Genetics (formerly Invitae), Labcorp
Classification: Uncertain significance for Retinitis pigmentosa 71; Short-rib thoracic dysplasia 10 with or without polydactyly. Last evaluated: 2022-08-12. Review status: criteria provided, single submitter. Criteria: Invitae Variant Classification Sherloc (09022015). Collection method: clinical testing. Allele origin: germline.
Comment: This sequence change replaces methionine, which is neutral and non-polar, with threonine, which is neutral and polar, at codon 627 of the IFT172 protein (p.Met627Thr). This variant is present in population databases (rs147288623, gnomAD 0.006%). This variant has not been reported in the literature in individuals affected with IFT172-related conditions. ClinVar contains an entry for this variant (Variation ID: 1507532). Algorithms developed to predict the effect of missense changes on protein structure and function are either unavailable or do not agree on the potential impact of this missense change (SIFT: "Deleterious"; PolyPhen-2: "Probably Damaging"; Align-GVGD: "Class C0"). In summary, the available evidence is currently insufficient to determine the role of this variant in disease. Therefore, it has been classified as a Variant of Uncertain Significance.

Fulgent Genetics
Classification: Uncertain significance for Short-rib thoracic dysplasia 10 with or without polydactyly; Retinitis pigmentosa 71; Bardet-Biedl syndrome 20. Last evaluated: 2021-10-23. Review status: criteria provided, single submitter. Criteria: ACMG Guidelines, 2015. Collection method: clinical testing. Allele origin: unknown.

PreventionGenetics, part of Exact Sciences
Classification: Uncertain significance for IFT172-related condition. Last evaluated: 2024-05-22. Review status: no assertion criteria provided. Collection method: clinical testing. Allele origin: germline. Not counted in ClinVar's aggregate classification.
Comment: The IFT172 c.1880T>C variant is predicted to result in the amino acid substitution p.Met627Thr. To our knowledge, this variant has not been reported in the literature. This variant is reported in 0.0087% of alleles in individuals of Latino descent in gnomAD. At this time, the clinical significance of this variant is uncertain due to the absence of conclusive functional and genetic evidence.